The following is an entry in ClinVar:

NC_000016.9:g.(?_89167111)_(89178323_?)del

Gene: ACSF3 (acyl-CoA synthetase family member 3; plus strand). Cytogenetic location: 16q24.3.
Variant type: Deletion.
Identifiers: ClinVar variation 3243507 (VCV003243507.1).

ClinVar aggregate classification (germline): Likely pathogenic (1 of 4 stars; one submission).

Conditions:
Combined malonic and methylmalonic acidemia. Identifiers: Orphanet 289504, MedGen C3280314, MONDO:0013661, OMIM 614265.

Submission:

Labcorp Genetics (formerly Invitae), Labcorp
Classification: Likely pathogenic for Combined malonic and methylmalonic acidemia. Last evaluated: 2021-03-26. Review status: criteria provided, single submitter. Criteria: Invitae Variant Classification Sherloc (09022015). Collection method: clinical testing. Allele origin: unknown.
Comment: In summary, the currently available evidence indicates that the variant is pathogenic, but additional data are needed to prove that conclusively. Therefore, this variant has been classified as Likely Pathogenic. Loss-of-function variants in ACSF3 are known to be pathogenic (PMID: 21841779, 26827111). This variant has not been reported in the literature in individuals with ACSF3-related conditions. This variant is a deletion of the genomic region encompassing exon 4 and part of exon 3 (c.22_823-177del)¬†of the ACSF3 gene. It is expected to disrupt RNA splicing and likely results in an absent or disrupted protein product.

Literature cited by the submitters: PubMed 21841779; PubMed 26827111.